The following is an entry in ClinVar:

NM_001999.4(FBN2):c.2602A>G (p.Asn868Asp)

Gene: FBN2 (fibrillin 2; minus strand). Cytogenetic location: 5q23.3.
Variant type: single nucleotide variant.
Coding change: c.2602A>G on transcript NM_001999.4 (MANE Select); coding-DNA position 2602, A replaced by G.
Protein change: p.Asn868Asp; replaces asparagine 868 with aspartic acid.
Molecular consequence: missense variant.
Genome position (GRCh38, 1-based): chr5:128,357,348, T>C on the plus strand (A>G on the coding strand, the complement: FBN2 is on the minus strand). VCF-style: chr5-128357348-T-C. GRCh37 (hg19) VCF-style: chr5-127693040-T-C.
Other names: short protein forms N868D.
Identifiers: ClinVar variation 2500677 (VCV002500677.3), dbSNP rs2479328607, ClinGen allele CA360767437.

ClinVar aggregate classification (germline): Uncertain significance. Review status: criteria provided, multiple submitters, no conflicts (2 of 4 stars). 2 submissions from 2 submitters: Uncertain significance (2). Last evaluated 2026-05-01.

Submissions (2):

CeGaT Center for Human Genetics Tuebingen
Classification: Uncertain significance. Last evaluated: 2026-05-01. Review status: criteria provided, single submitter. Criteria: CeGaT Center For Human Genetics Tuebingen Variant Classification Criteria Version 2. Collection method: clinical testing. Allele origin: germline. Affected: yes. Observed: 1 variant allele.
Comment: FBN2: PM2

GeneDx
Classification: Uncertain significance. Last evaluated: 2022-10-31. Review status: criteria provided, single submitter. Criteria: GeneDx Variant Classification Process June 2021. Collection method: clinical testing. Allele origin: germline. Affected: yes.
Comment: Has not been previously published as pathogenic or benign to our knowledge; Not observed at significant frequency in large population cohorts (gnomAD); Although located in a calcium-binding EGF-like domain of the FBN2 gene, it does not substitute or introduce a cysteine residue (Callewaert et al., 2009; Frederic et al., 2009); In silico analysis supports that this missense variant has a deleterious effect on protein structure/function; This variant is associated with the following publications: (PMID: 18767143, 19006240)